The following is an entry in ClinVar:

ClinVar aggregate classification (germline): Uncertain significance. Review status: criteria provided, multiple submitters, no conflicts (2 of 4 stars). 5 submissions from 5 submitters: Uncertain significance (5). Last evaluated 2026-04-21.

Conditions:
SMPD1-related disorder. Also called: SMPD1-related condition.
Niemann-Pick disease, type A. Also called: Infantile Neurovisceral ASMD (Niemann-Pick Disease Type A; NPD-A); SPHINGOMYELIN LIPIDOSIS; SPHINGOMYELINASE DEFICIENCY. Identifiers: Orphanet 77292, MedGen C0268242, MONDO:0009756, OMIM 257200. Disease mechanism: loss of function.
Niemann-Pick disease, type B. Also called: Chronic Visceral ASMD (Niemann-Pick Disease Type B; NPD-B). Identifiers: Orphanet 77293, MedGen C0268243, MONDO:0011871, OMIM 607616. Disease mechanism: loss of function.

Allele frequency attached by ClinVar (database versions not stated): ExAC 0.00004; gnomAD exomes 0.00006; gnomAD 0.00007 and 0.00008; ESP Exome Variant Server 0.00008; TOPMed 0.00011.

Submissions (5):

PreventionGenetics, part of Exact Sciences
Classification: Uncertain significance for SMPD1-related condition. Last evaluated: 2026-04-21. Review status: criteria provided, single submitter. Criteria: ACMG Guidelines, 2015. Collection method: clinical testing. Allele origin: germline.
Comment: The SMPD1 c.1135C>T variant is predicted to result in the amino acid substitution p.Leu379Phe. This variant was reported to be associated with susceptibility to Parkinson's disease (Table S3, Robak et al 2017. PubMed ID: 29140481). This variant is reported in 0.012% of alleles in individuals of European (Non-Finnish) descent in gnomAD. At this time, the clinical significance of this variant is uncertain due to the absence of conclusive functional and genetic evidence.

Women's Health and Genetics/Laboratory Corporation of America, LabCorp
Classification: Uncertain significance. Last evaluated: 2024-08-20. Review status: criteria provided, single submitter. Criteria: LabCorp Variant Classification Summary - May 2015. Collection method: clinical testing. Allele origin: germline.
Comment: Variant summary: SMPD1 c.1135C>T (p.Leu379Phe) results in a non-conservative amino acid change located in the Calcineurin-like phosphoesterase domain, ApaH type domain (IPR004843) of the encoded protein sequence. Four of four in-silico tools predict a damaging effect of the variant on protein function. The variant allele was found at a frequency of 6.4e-05 in 249238 control chromosomes. This frequency is not significantly higher than estimated for a pathogenic variant in SMPD1 causing Niemann-Pick Disease (6.4e-05 vs 0.0022), allowing no conclusion about variant significance. c.1135C>T has been reported in the literature in individuals affected with Parkinson's Disease (e.g. Robak_2017, Alcalay_2020). These reports do not provide unequivocal conclusions about association of the variant with Niemann-Pick Disease. To our knowledge, no experimental evidence demonstrating an impact on protein function has been reported. The following publications have been ascertained in the context of this evaluation (PMID: 30788890, 29140481). ClinVar contains an entry for this variant (Variation ID: 496881). Based on the evidence outlined above, the variant was classified as uncertain significance.

Blueprint Genetics
Classification: Uncertain significance. Last evaluated: 2023-08-30. Review status: criteria provided, single submitter. Criteria: ACMG Guidelines, 2015. Collection method: clinical testing. Allele origin: germline.

Department of Pathology and Laboratory Medicine, Sinai Health System
Classification: Uncertain significance for Niemann-Pick disease, type A; Niemann-Pick disease, type B. Last evaluated: 2023-07-14. Review status: criteria provided, single submitter. Criteria: ACMG Guidelines, 2015. Collection method: research. Allele origin: germline.

Eurofins Ntd Llc (ga)
Classification: Uncertain significance. Last evaluated: 2017-05-31. Review status: criteria provided, single submitter. Criteria: EGL Classification Definitions 2015. Collection method: clinical testing. Allele origin: germline. Observed: 2 variant alleles, 2 heterozygotes.

Literature cited by the submitters: PubMed 30788890 (cited by Women's Health and Genetics/Laboratory Corporation of America, LabCorp); PubMed 29140481 (cited by Women's Health and Genetics/Laboratory Corporation of America, LabCorp).

NM_000543.5(SMPD1):c.1135C>T (p.Leu379Phe)

Gene: SMPD1 (sphingomyelin phosphodiesterase 1; plus strand). Cytogenetic location: 11p15.4.
Variant type: single nucleotide variant.
Coding change: c.1135C>T on transcript NM_000543.5 (MANE Select); coding-DNA position 1135, C replaced by T.
Protein change: p.Leu379Phe; replaces leucine 379 with phenylalanine.
Molecular consequence: missense variant. On other transcripts: non-coding transcript variant (1), intron variant (1).
Genome position (GRCh38, 1-based): chr11:6,393,259, C>T. VCF-style: chr11-6393259-C-T. GRCh37 (hg19) VCF-style: chr11-6414489-C-T.
Other names: c.1132C>T, p.Leu378Phe (NM_001007593.3); c.1135C>T, p.Leu379Phe (NM_001318087.2); c.214C>T, p.Leu72Phe (NM_001318088.2); c.1132-358C>T (NM_001365135.2); c.1135C>T (NM_000543.4); short protein forms L379F, L378F, L72F.
Identifiers: ClinVar variation 496881 (VCV000496881.10), dbSNP rs371738717, ClinGen allele CA5852798.